The following is an entry in ClinVar:

ClinVar aggregate classification (germline): Pathogenic (1 of 4 stars; one submission).

Conditions:
Microcephaly, normal intelligence and immunodeficiency (NBS). Also called: Ataxia telangiectasia variant V1; Nijmegen breakage syndrome; Immunodeficiency, microcephaly with normal intelligence; IMMUNODEFICIENCY, MICROCEPHALY, AND CHROMOSOMAL INSTABILITY; SEEMANOVA SYNDROME II; BERLIN BREAKAGE SYNDROME. Identifiers: Orphanet 647, MedGen C0398791, MONDO:0009623, OMIM 251260.

Submission:

Labcorp Genetics (formerly Invitae), Labcorp
Classification: Pathogenic for Microcephaly, normal intelligence and immunodeficiency. Last evaluated: 2019-06-17. Review status: criteria provided, single submitter. Criteria: Invitae Variant Classification Sherloc (09022015). Collection method: clinical testing. Allele origin: germline.
Comment: This variant is a gross deletion of the genomic region encompassing exons 1-4 of the NBN gene, which includes the initiator codon. The 5' end of this event is unknown as it extends beyond the assayed region for this gene and therefore may encompass additional genes. The 3' boundary is likely confined to intron 4 of the NBN gene. This is expected to result in an absent or disrupted protein product. This variant has not been reported in the literature in individuals with NBN-related conditions. Loss-of-function variants in NBN are known to be pathogenic (PMID: 9590180, 16415040). For these reasons, this variant has been classified as Pathogenic.

NC_000008.11:g.(?_89980724)_(89984571_?)del

Gene: NBN (nibrin; minus strand). Cytogenetic location: 8q21.3.
Variant type: Deletion.
Identifiers: ClinVar variation 832539 (VCV000832539.1).